The following is an entry in ClinVar:

ClinVar aggregate classification (germline): Uncertain significance (1 of 4 stars; one submission).

Submission:

CeGaT Center for Human Genetics Tuebingen
Classification: Uncertain significance. Last evaluated: 2026-03-01. Review status: criteria provided, single submitter. Criteria: CeGaT Center For Human Genetics Tuebingen Variant Classification Criteria Version 2. Collection method: clinical testing. Allele origin: germline. Affected: yes. Observed: 1 variant allele.
Comment: CTR9: PM2, PP2, PP3

NM_014633.5(CTR9):c.2069T>A (p.Ile690Asn)

Gene: CTR9 (CTR9 component of Paf1/RNA polymerase II complex; plus strand). Cytogenetic location: 11p15.4.
Variant type: single nucleotide variant.
Coding change: c.2069T>A on transcript NM_014633.5 (MANE Select); coding-DNA position 2069, T replaced by A.
Protein change: p.Ile690Asn; replaces isoleucine 690 with asparagine.
Molecular consequence: missense variant.
Genome position (GRCh38, 1-based): chr11:10,768,451, T>A. VCF-style: chr11-10768451-T-A. GRCh37 (hg19) VCF-style: chr11-10789998-T-A.
Other names: c.2069T>A, p.Ile690Asn (NM_001346279.2); short protein forms I690N.
Identifiers: ClinVar variation 4823598 (VCV004823598.4).